The following is an entry in ClinVar:

NM_001018113.3(FANCB):c.1763T>C (p.Leu588Ser)

Gene: FANCB (FA complementation group B; minus strand). Cytogenetic location: Xp22.2.
Variant type: single nucleotide variant.
Coding change: c.1763T>C on transcript NM_001018113.3 (MANE Select); coding-DNA position 1763, T replaced by C.
Protein change: p.Leu588Ser; replaces leucine 588 with serine.
Molecular consequence: missense variant.
Genome position (GRCh38, 1-based): chrX:14,845,020, A>G on the plus strand (T>C on the coding strand, the complement: FANCB is on the minus strand). VCF-style: chrX-14845020-A-G. GRCh37 (hg19) VCF-style: chrX-14863142-A-G.
Other names: c.1763T>C, p.Leu588Ser (NM_001324162.2, NM_152633.4); short protein forms L588S.
Identifiers: ClinVar variation 1409372 (VCV001409372.8), dbSNP rs1298952108, ClinGen allele CA412439684.
Genomic context (GRCh38, chrX:14,845,020, plus strand): 5'-TTACCACTTTCTCTCTCCATAATTTGTAGCAGTACAGTGCAACAAAATTTACTGAATGTT[A>G]AAAGTGGTGAAAGAGATGTTACAGCAGTAATTATCTGTACACACTCTTTCTTAGATGGGT-3'
Protein context (NP_001018123.1, residues 578-598): ITAVTSLSPL[Leu588Ser]TFSKFCCTVL

ClinVar aggregate classification (germline): Uncertain significance (1 of 4 stars; one submission).

Conditions:
Fanconi anemia (FA). Also called: Fanconi's anemia. Identifiers: Orphanet 84, MedGen C0015625, MeSH D005199, MONDO:0019391.

Allele frequency attached by ClinVar (database versions not stated): gnomAD exomes below 0.00001 and 0.00001.
gnomAD v4.1: 1 of 1,209,671 alleles (0.000083%); highest among the groups gnomAD compares: Admixed American, 0.0022%; no homozygotes.

Submission:

Labcorp Genetics (formerly Invitae), Labcorp
Classification: Uncertain significance for Fanconi anemia. Last evaluated: 2021-06-28. Review status: criteria provided, single submitter. Criteria: Invitae Variant Classification Sherloc (09022015). Collection method: clinical testing. Allele origin: germline.
Comment: This variant has not been reported in the literature in individuals with FANCB-related conditions. Algorithms developed to predict the effect of missense changes on protein structure and function are either unavailable or do not agree on the potential impact of this missense change (SIFT: "Deleterious"; PolyPhen-2: "Probably Damaging"; Align-GVGD: "Class C0"). In summary, the available evidence is currently insufficient to determine the role of this variant in disease. Therefore, it has been classified as a Variant of Uncertain Significance. This variant is not present in population databases (ExAC no frequency). This sequence change replaces leucine with serine at codon 588 of the FANCB protein (p.Leu588Ser). The leucine residue is highly conserved and there is a large physicochemical difference between leucine and serine.